The following is an entry in ClinVar:

ClinVar aggregate classification (germline): Uncertain significance (1 of 4 stars; one submission).

Submission:

Ambry Genetics
Classification: Uncertain significance. Last evaluated: 2023-10-19. Review status: criteria provided, single submitter. Criteria: Ambry Variant Classification Scheme 2023. Collection method: clinical testing. Allele origin: germline.
Comment: The p.V218A variant (also known as c.653T>C), located in coding exon 5 of the RECQL gene, results from a T to C substitution at nucleotide position 653. The valine at codon 218 is replaced by alanine, an amino acid with similar properties. This amino acid position is conserved. In addition, the in silico prediction for this alteration is inconclusive. Since supporting evidence is limited at this time, the clinical significance of this alteration remains unclear.

NM_002907.4(RECQL):c.653T>C (p.Val218Ala)

Gene: RECQL (RecQ like helicase; minus strand). Cytogenetic location: 12p12.1.
Variant type: single nucleotide variant.
Coding change: c.653T>C on transcript NM_002907.4 (MANE Select); coding-DNA position 653, T replaced by C.
Protein change: p.Val218Ala; replaces valine 218 with alanine.
Molecular consequence: missense variant.
Genome position (GRCh38, 1-based): chr12:21,483,423, A>G on the plus strand (T>C on the coding strand, the complement: RECQL is on the minus strand). VCF-style: chr12-21483423-A-G. GRCh37 (hg19) VCF-style: chr12-21636357-A-G.
Other names: c.653T>C, p.Val218Ala (NM_032941.3); short protein forms V218A.
Identifiers: ClinVar variation 3222983 (VCV003222983.1), dbSNP rs2540374638, ClinGen allele CA384126898.
Genomic context (GRCh38, chr12:21,483,423, plus strand): 5'-AAAACATACATACCAGGTCTGAAATCATGTCCCCACTGACTACAGCAGTGAACTTCATCC[A>G]CAGCAATTCGAGTAAATCTCCTTGCTTCATAGGCTTTCTCTAGTCTTGACATAAACATTT-3'
Protein context (NP_002898.2, residues 208-228): YEARRFTRIA[Val218Ala]DEVHCCSQWG